The following is an entry in ClinVar:

NM_007254.4(PNKP):c.936+5G>A

Gene: PNKP (polynucleotide kinase 3'-phosphatase; minus strand). Cytogenetic location: 19q13.33.
Variant type: single nucleotide variant.
Coding change: c.936+5G>A on transcript NM_007254.4 (MANE Select); 5 bases into the intron after coding-DNA position 936, G replaced by A.
Molecular consequence: intron variant.
Genome position (GRCh38, 1-based): chr19:49,862,533, C>T on the plus strand (G>A on the coding strand, the complement: PNKP is on the minus strand). VCF-style: chr19-49862533-C-T. GRCh37 (hg19) VCF-style: chr19-50365790-C-T.
Identifiers: ClinVar variation 1011531 (VCV001011531.7), dbSNP rs954048668, ClinGen allele CA309494418.

ClinVar aggregate classification (germline): Uncertain significance (1 of 4 stars; one submission).

Conditions:
Developmental and epileptic encephalopathy, 12 (DEE12). Identifiers: MedGen C3150988, MONDO:0013389, OMIM 613722.

Allele frequency attached by ClinVar (database versions not stated): TOPMed 0.00001.

Submission:

Labcorp Genetics (formerly Invitae), Labcorp
Classification: Uncertain significance for Developmental and epileptic encephalopathy, 12. Last evaluated: 2024-12-22. Review status: criteria provided, single submitter. Criteria: Invitae Variant Classification Sherloc (09022015). Collection method: clinical testing. Allele origin: germline.
Comment: This sequence change falls in intron 10 of the PNKP gene. It does not directly change the encoded amino acid sequence of the PNKP protein. It affects a nucleotide within the consensus splice site. This variant is not present in population databases (gnomAD no frequency). This variant has not been reported in the literature in individuals affected with PNKP-related conditions. ClinVar contains an entry for this variant (Variation ID: 1011531). Variants that disrupt the consensus splice site are a relatively common cause of aberrant splicing (PMID: 17576681, 9536098). Algorithms developed to predict the effect of sequence changes on RNA splicing suggest that this variant may disrupt the consensus splice site. In summary, the available evidence is currently insufficient to determine the role of this variant in disease. Therefore, it has been classified as a Variant of Uncertain Significance.

Literature cited by the submitters: PubMed 17576681; PubMed 9536098.